The following is an entry in ClinVar:

ClinVar aggregate classification (germline): Uncertain significance. Review status: criteria provided, multiple submitters, no conflicts (2 of 4 stars). 2 submissions from 2 submitters: Uncertain significance (2). Last evaluated 2024-08-08.

Submissions (2):

Labcorp Genetics (formerly Invitae), Labcorp
Classification: Uncertain significance. Last evaluated: 2024-08-08. Review status: criteria provided, single submitter. Criteria: Invitae Variant Classification Sherloc (09022015). Collection method: clinical testing. Allele origin: germline.
Comment: This sequence change replaces arginine, which is basic and polar, with serine, which is neutral and polar, at codon 604 of the MYO7A protein (p.Arg604Ser). This variant is not present in population databases (gnomAD no frequency). This variant has not been reported in the literature in individuals affected with MYO7A-related conditions. Advanced modeling of protein sequence and biophysical properties (such as structural, functional, and spatial information, amino acid conservation, physicochemical variation, residue mobility, and thermodynamic stability) performed at Invitae indicates that this missense variant is not expected to disrupt MYO7A protein function with a negative predictive value of 95%. In summary, the available evidence is currently insufficient to determine the role of this variant in disease. Therefore, it has been classified as a Variant of Uncertain Significance.

GeneDx
Classification: Uncertain significance. Last evaluated: 2024-07-15. Review status: criteria provided, single submitter. Criteria: GeneDx Variant Classification Process June 2021. Collection method: clinical testing. Allele origin: germline. Affected: yes.
Comment: Not observed at significant frequency in large population cohorts (gnomAD); In silico analysis supports that this missense variant has a deleterious effect on protein structure/function; Has not been previously published as pathogenic or benign to our knowledge

NM_000260.4(MYO7A):c.1812G>T (p.Arg604Ser)

Gene: MYO7A (myosin VIIA; plus strand). Cytogenetic location: 11q13.5.
Variant type: single nucleotide variant.
Coding change: c.1812G>T on transcript NM_000260.4 (MANE Select); coding-DNA position 1812, G replaced by T.
Protein change: p.Arg604Ser; replaces arginine 604 with serine.
Molecular consequence: missense variant.
Genome position (GRCh38, 1-based): chr11:77,172,762, G>T. VCF-style: chr11-77172762-G-T. GRCh37 (hg19) VCF-style: chr11-76883808-G-T.
Other names: c.1812G>T, p.Arg604Ser (NM_001127180.2); c.1779G>T, p.Arg593Ser (NM_001369365.1); short protein forms R593S, R604S.
Identifiers: ClinVar variation 3573640 (VCV003573640.3).